The following is an entry in ClinVar:

ClinVar aggregate classification (germline): Uncertain significance (1 of 4 stars; one submission).

Conditions:
Pheochromocytoma. Also called: MAX-Related Hereditary Paraganglioma-Pheochromocytoma Syndrome. Identifiers: Orphanet 29072, MedGen C0031511, MONDO:0008233, OMIM 171300, HP:0002666.
Gastrointestinal stromal tumor. Also called: Gastrointestinal stromal tumor, somatic; Gastrointestinal stroma tumor. Identifiers: Orphanet 44890, MedGen C0238198, MeSH D046152, MONDO:0011719, OMIM 606764, HP:0100723.
Pheochromocytoma/paraganglioma syndrome 4. Also called: CAROTID BODY TUMORS AND MULTIPLE EXTRAADRENAL PHEOCHROMOCYTOMAS; PARAGANGLIOMA, FAMILIAL MALIGNANT; PARAGANGLIOMAS, HEREDITARY EXTRAADRENAL; PHEOCHROMOCYTOMA, FAMILIAL EXTRAADRENAL; Paragangliomas 4; SDHB-Related Hereditary Paraganglioma-Pheochromocytoma Syndrome (Paragangliomas 4). Identifiers: Orphanet 29072, MedGen C1861848, MONDO:0007273, OMIM 115310.

Submission:

Labcorp Genetics (formerly Invitae), Labcorp
Classification: Uncertain significance for Gastrointestinal stromal tumor; Pheochromocytoma/paraganglioma syndrome 4; Pheochromocytoma. Last evaluated: 2023-04-19. Review status: criteria provided, single submitter. Criteria: Invitae Variant Classification Sherloc (09022015). Collection method: clinical testing. Allele origin: germline.
Comment: In summary, the available evidence is currently insufficient to determine the role of this variant in disease. Therefore, it has been classified as a Variant of Uncertain Significance. Algorithms developed to predict the effect of sequence changes on RNA splicing suggest that this variant may disrupt the consensus splice site. Advanced modeling of protein sequence and biophysical properties (such as structural, functional, and spatial information, amino acid conservation, physicochemical variation, residue mobility, and thermodynamic stability) performed at Invitae indicates that this missense variant is not expected to disrupt SDHB protein function. This variant has not been reported in the literature in individuals affected with SDHB-related conditions. This variant is not present in population databases (gnomAD no frequency). This sequence change replaces glutamic acid, which is acidic and polar, with lysine, which is basic and polar, at codon 176 of the SDHB protein (p.Glu176Lys).

NM_003000.3(SDHB):c.526G>A (p.Glu176Lys)

Gene: SDHB (succinate dehydrogenase complex iron sulfur subunit B; minus strand). Cytogenetic location: 1p36.13.
Variant type: single nucleotide variant.
Coding change: c.526G>A on transcript NM_003000.3 (MANE Select); coding-DNA position 526, G replaced by A.
Protein change: p.Glu176Lys; replaces glutamic acid 176 with lysine.
Molecular consequence: missense variant.
Genome position (GRCh38, 1-based): chr1:17,027,763, C>T on the plus strand (G>A on the coding strand, the complement: SDHB is on the minus strand). VCF-style: chr1-17027763-C-T. GRCh37 (hg19) VCF-style: chr1-17354258-C-T.
Other names: c.472G>A, p.Glu158Lys (NM_001407361.1); short protein forms E158K, E176K.
Identifiers: ClinVar variation 2944626 (VCV002944626.3), dbSNP rs794728946, ClinGen allele CA338272503.